The following is an entry in ClinVar:

NM_001353345.2(SETD1B):c.3652C>G (p.Leu1218Val)

Gene: SETD1B (SET domain containing 1B, histone lysine methyltransferase; plus strand). Cytogenetic location: 12q24.31.
Variant type: single nucleotide variant.
Coding change: c.3652C>G on transcript NM_001353345.2 (MANE Select); coding-DNA position 3652, C replaced by G.
Protein change: p.Leu1218Val; replaces leucine 1218 with valine.
Molecular consequence: missense variant.
Genome position (GRCh38, 1-based): chr12:121,819,637, C>G. VCF-style: chr12-121819637-C-G. GRCh37 (hg19) VCF-style: chr12-122257543-C-G.
Other names: short protein forms L1218V.
Identifiers: ClinVar variation 2643464 (VCV002643464.24), dbSNP rs1032414380, ClinGen allele CA244653461.

ClinVar aggregate classification (germline): Uncertain significance (1 of 4 stars; one submission).

Allele frequency attached by ClinVar (database versions not stated): gnomAD 0.00001; TOPMed 0.00003.

Submission:

CeGaT Center for Human Genetics Tuebingen
Classification: Uncertain significance. Last evaluated: 2022-08-01. Review status: criteria provided, single submitter. Criteria: CeGaT Center For Human Genetics Tuebingen Variant Classification Criteria Version 2. Collection method: clinical testing. Allele origin: germline. Affected: yes. Observed: 1 variant allele.
Comment: SETD1B: PP2, BP4